The following is an entry in ClinVar:

ClinVar aggregate classification (germline): Uncertain significance (1 of 4 stars; one submission).

Conditions:
Neuropathy, hereditary sensory, type 1F. Also called: Hereditary sensory neuropathy type IF; HSN IF. Identifiers: Orphanet 36386, MedGen C3810194, MONDO:0014286, OMIM 615632.

Submission:

Labcorp Genetics (formerly Invitae), Labcorp
Classification: Uncertain significance for Neuropathy, hereditary sensory, type 1F. Last evaluated: 2024-12-02. Review status: criteria provided, single submitter. Criteria: Invitae Variant Classification Sherloc (09022015). Collection method: clinical testing. Allele origin: germline.
Comment: This sequence change replaces tyrosine, which is neutral and polar, with cysteine, which is neutral and slightly polar, at codon 324 of the ATL3 protein (p.Tyr324Cys). This variant is not present in population databases (gnomAD no frequency). This variant has not been reported in the literature in individuals affected with ATL3-related conditions. ClinVar contains an entry for this variant (Variation ID: 844450). Invitae Evidence Modeling of protein sequence and biophysical properties (such as structural, functional, and spatial information, amino acid conservation, physicochemical variation, residue mobility, and thermodynamic stability) indicates that this missense variant is not expected to disrupt ATL3 protein function with a negative predictive value of 80%. In summary, the available evidence is currently insufficient to determine the role of this variant in disease. Therefore, it has been classified as a Variant of Uncertain Significance.

NM_015459.5(ATL3):c.971A>G (p.Tyr324Cys)

Genes: ATL3 (atlastin GTPase 3; minus strand), LNCROPM (lncRNA regulator of PLAAT3 mediated phospholipid metabolism; plus strand). Cytogenetic location: 11q13.1.
Variant type: single nucleotide variant.
Coding change: c.971A>G on transcript NM_015459.5 (MANE Select); coding-DNA position 971, A replaced by G.
Protein change: p.Tyr324Cys; replaces tyrosine 324 with cysteine.
Molecular consequence: missense variant.
Genome position (GRCh38, 1-based): chr11:63,636,214, T>C on the plus strand (A>G on the coding strand, the complement: ATL3 is on the minus strand). VCF-style: chr11-63636214-T-C. GRCh37 (hg19) VCF-style: chr11-63403686-T-C.
Other names: c.917A>G, p.Tyr306Cys (NM_001290048.2); short protein forms Y324C, Y306C.
Identifiers: ClinVar variation 844450 (VCV000844450.9), dbSNP rs1939510243, ClinGen allele CA381026466.